The following is an entry in ClinVar:

ClinVar aggregate classification (germline): Pathogenic (0 of 4 stars; one submission).

Conditions:
Beckwith-Wiedemann syndrome (BWS). Also called: Exomphalos macroglossia gigantism syndrome; EMG SYNDROME. Identifiers: Orphanet 116, MedGen C0004903, MONDO:0007534, OMIM 130650.

Submission:

Centre de Recherche Saint Antoine,  Université Pierre et Marie Curie
Classification: Pathogenic for Beckwith-Wiedemann syndrome. Review status: no assertion criteria provided. Collection method: not provided. Allele origin: unknown.
ClinVar note: Converted during submission from pathogenic to Pathogenic.

NM_001122630.2(CDKN1C):c.602del (p.Pro201fs)

Gene: CDKN1C (cyclin dependent kinase inhibitor 1C; minus strand). Cytogenetic location: 11p15.4.
Variant type: Deletion.
Coding change: c.602del on transcript NM_001122630.2 (MANE Select); coding-DNA position 602, one base deleted (C; older notation c.602delC).
Protein change: p.Pro201fs; shifts the reading frame from proline 201.
Molecular consequence: frameshift variant. On other transcripts: intron variant (1).
Genome position (GRCh38, 1-based): chr11:2,884,855, G deleted on the plus strand (C on the coding strand, the reverse complement: CDKN1C is on the minus strand); the first of 4 consecutive G bases (chr11:2,884,855-2,884,858); deleting any one gives the same sequence. VCF-style (leftmost placement, unchanged base first): chr11-2884854-CG-C. GRCh37 (hg19) VCF-style: chr11-2906084-CG-C.
Other names: c.635del, p.Pro212fs (NM_000076.2, NM_001362474.2, LRG_533t1); c.602del, p.Pro201fs (NM_001122631.2); c.255+347del (NM_001362475.2); c.632delC (NM_000076.2); c.635delC (NM_000076.2); short protein forms P201fs, P212fs.
Identifiers: ClinVar variation 192356 (VCV000192356.2), dbSNP rs786205237, ClinGen allele CA274881.